The following is an entry in ClinVar:

NM_014727.3(KMT2B):c.6801_6802delinsTT (p.Pro2268Ser)

Gene: KMT2B (lysine methyltransferase 2B; plus strand). Cytogenetic location: 19q13.12.
Variant type: Indel.
Coding change: c.6801_6802delinsTT on transcript NM_014727.3 (MANE Select); coding-DNA positions 6801 to 6802, GC replaced by TT.
Protein change: p.Pro2268Ser; replaces proline 2268 with serine.
Molecular consequence: missense variant.
Genome position (GRCh38, 1-based): chr19:35,733,350-35,733,351, GC replaced by TT. VCF-style: chr19-35733350-GC-TT. GRCh37 (hg19) VCF-style: chr19-36224251-GC-TT.
Other names: short protein forms P2268S.
Identifiers: ClinVar variation 3620088 (VCV003620088.2).

ClinVar aggregate classification (germline): Uncertain significance (1 of 4 stars; one submission).

Submission:

Labcorp Genetics (formerly Invitae), Labcorp
Classification: Uncertain significance. Last evaluated: 2024-12-08. Review status: criteria provided, single submitter. Criteria: Invitae Variant Classification Sherloc (09022015). Collection method: clinical testing. Allele origin: germline.
Comment: This sequence change replaces proline, which is neutral and non-polar, with serine, which is neutral and polar, at codon 2268 of the KMT2B protein (p.Pro2268Ser). Information on the frequency of this variant in the gnomAD database is not available, as this variant may be reported differently in the database. This variant has not been reported in the literature in individuals affected with KMT2B-related conditions. Experimental studies and prediction algorithms are not available or were not evaluated, and the functional significance of this variant is currently unknown. In summary, the available evidence is currently insufficient to determine the role of this variant in disease. Therefore, it has been classified as a Variant of Uncertain Significance.